The following is an entry in ClinVar:

ClinVar aggregate classification (germline): Conflicting classifications of pathogenicity. Review status: criteria provided, conflicting classifications (1 of 4 stars). 27 submissions from 27 submitters: Likely pathogenic (3); Uncertain significance (17); Likely benign (5). 2 of the submissions do not count toward it. Last evaluated 2026-08-25.

Conditions:
Hereditary site-specific ovarian cancer syndrome. Identifiers: MedGen CN278678, MONDO:0016249.
Cancer or benign tumor. Also called: Cell proliferation disorder. Identifiers: MedGen CN377727, MONDO:0045024.
RAD51D-related disorder. Also called: RAD51D-related condition.
Breast and/or ovarian cancer. Identifiers: MedGen CN221562.
Hereditary cancer-predisposing syndrome. Also called: Tumor predisposition; Neoplastic Syndromes, Hereditary; Hereditary neoplastic syndrome; Hereditary Cancer Syndrome. Identifiers: Orphanet 140162, MedGen C0027672, MeSH D009386, MONDO:0015356.
Hereditary breast ovarian cancer syndrome. Also called: Hereditary breast and ovarian cancer syndrome; Hereditary breast and ovarian cancer; Hereditary breast and ovarian cancer syndrome (HBOC); Hereditary breast and/or ovarian cancer syndrome; BRCA1- and BRCA2-Associated Hereditary Breast and Ovarian Cancer; Breast and ovarian cancer. Identifiers: Orphanet 145, MedGen C0677776, MeSH D061325, MONDO:0003582. Disease mechanism: loss of function.
Breast-ovarian cancer, familial, susceptibility to, 4. Identifiers: Orphanet 145, MedGen C3280345, MONDO:0013669, OMIM 614291.
Malignant tumor of breast. Also called: Malignant breast neoplasm; Cancer breast. Identifiers: MedGen C0006142, MONDO:0007254. Disease mechanism: loss of function.

Allele frequency attached by ClinVar (database versions not stated): gnomAD 0.00004 and 0.00005; TOPMed 0.00005; gnomAD exomes 0.00012 and 0.00018; ExAC 0.00020.
gnomAD v4.1: 185 of 1,614,150 alleles (0.011%); highest among the groups gnomAD compares: South Asian, 0.081%; 1 homozygote.

Submissions 1 to 11 of 27:

PreventionGenetics, part of Exact Sciences
Classification: Uncertain significance for RAD51D-related condition. Last evaluated: 2026-08-25. Review status: criteria provided, single submitter. Criteria: ACMG Guidelines, 2015. Collection method: clinical testing. Allele origin: germline.
Comment: The RAD51D c.796C>T variant is predicted to result in the amino acid substitution p.Arg266Cys. This variant has been reported in individuals with personal and/or family histories of ovarian and/or breast cancer, as well as in healthy control individuals (Thompson et al. 2013. PubMed ID: 23372765; Konstanta et al. 2018. PubMed ID: 30111881; Supplementary Table S5, Tsaousis et al. 2019. PubMed ID: 31159747; Breast Cancer Association Consortium et al. 2021. PubMed ID: 33471991). This variant is reported in 0.085% of alleles in individuals of South Asian descent in gnomAD, which is likely too common to be a primary cause of disease. This variant has interpretations ranging from likely benign to likely pathogenic in ClinVar (Variation ID: 141519). At this time, the clinical significance of this variant is uncertain due to the absence of conclusive functional and genetic evidence.

German Consortium for Hereditary Breast and Ovarian Cancer, University Hospital Cologne
Classification: Likely benign for Hereditary breast ovarian cancer syndrome. Last evaluated: 2026-06-09. Review status: criteria provided, single submitter. Criteria: ACMG SVI. Collection method: curation. Allele origin: germline.
Comment: This classification follows the ACMG SVI adaptation classification scheme; We chose this criterion: BS1 (strong benign): gnomAD (MAF): 0,01146% 1xhom FAF 0,06631% (v4.1.1); From CanVIG-UK: RAD51C draft VCEP guidance states MTAF of: BS1: 0.0000583 (0.00583%)

Labcorp Genetics (formerly Invitae), Labcorp
Classification: Likely benign for Breast-ovarian cancer, familial, susceptibility to, 4. Last evaluated: 2026-02-02. Review status: criteria provided, single submitter. Criteria: Invitae Variant Classification Sherloc (09022015). Collection method: clinical testing. Allele origin: germline.

Center for Genomic Medicine, Rigshospitalet, Copenhagen University Hospital
Classification: Uncertain significance. Last evaluated: 2025-12-29. Review status: criteria provided, single submitter. Criteria: ACMG Guidelines, 2015. Collection method: clinical testing. Allele origin: germline.

KCCC/NGS Laboratory, Kuwait Cancer Control Center
Classification: Uncertain significance for Breast-ovarian cancer, familial, susceptibility to, 4. Last evaluated: 2025-12-01. Review status: criteria provided, single submitter. Criteria: Standards For The Interpretation Kccc. Collection method: clinical testing. Allele origin: germline. Inheritance: Autosomal dominant inheritance. Affected: yes.
Comment: c.796C>T is classified as an uncertain significance variant according to ACMG guidelines.

Women's Health and Genetics/Laboratory Corporation of America, LabCorp
Classification: Likely benign. Last evaluated: 2025-11-21. Review status: criteria provided, single submitter. Criteria: LabCorp Variant Classification Summary - May 2015. Collection method: clinical testing. Allele origin: germline.
Comment: Variant summary: RAD51D c.796C>T (p.Arg266Cys) results in a non-conservative amino acid change located in the DNA recombination and repair protein RecA-like, ATP-binding domain of the encoded protein sequence. Algorithms developed to predict the effect of missense changes on protein structure and function all suggest that this variant is likely to be disruptive. The variant allele was found at a frequency of 0.00018 in 251416 control chromosomes, predominantly at a frequency of 0.00085 within the South Asian subpopulation in the gnomAD database. The observed variant frequency within South Asian control individuals in the gnomAD database exceeds the estimated maximal expected allele frequency for disease-causing variants in RAD51D. c.796C>T has been observed in individuals affected with breast and/or ovarian cancer (e.g., Thompson_2013, Lu_2015, Konstanta_2018, Krivokuca_2019). These reports do not provide unequivocal conclusions about association of the variant with Hereditary Breast And Ovarian Cancer Syndrome. To our knowledge, no experimental evidence demonstrating an impact on protein function has been reported. The following publications have been ascertained in the context of this evaluation (PMID: 30111881, 30651582, 26689913, 23372765). ClinVar contains an entry for this variant (Variation ID: 141519). Based on the evidence outlined above, the variant was classified as likely benign.

Quest Diagnostics Nichols Institute San Juan Capistrano
Classification: Uncertain significance. Last evaluated: 2025-07-21. Review status: criteria provided, single submitter. Criteria: Quest Diagnostics criteria. Collection method: clinical testing. Allele origin: unknown.
Comment: The RAD51D c.796C>T (p.Arg266Cys) variant has been reported in the published literature in an individual with soft tissue sarcoma (PMID: 35988656 (2022)) and in multiple individuals with breast and/or ovarian cancer (PMIDs: 33471991 (2021), see also LOVD, 32885271 (2021), 30651582 (2019), 30111881 (2018), 29522266 (2018), 29470806 (2018), 23372765 (2013)), as well as reportedly unaffected individuals (PMID: 36243179 (2022), 33471991 (2021), see also LOVD). The frequency of this variant in the general population (Genome Aggregation Database) is higher than would generally be expected for pathogenic variants in this gene. Analysis of this variant using bioinformatics tools for the prediction of the effect of amino acid changes on protein structure and function yielded predictions that this variant is damaging. Based on the available information, we are unable to determine the clinical significance of this variant.

Molecular Diagnostics Laboratory, Catalan Institute of Oncology
Classification: Uncertain significance for Hereditary cancer-predisposing syndrome. Last evaluated: 2025-05-11. Review status: criteria provided, single submitter. Criteria: ACMG Guidelines, 2015. Collection method: clinical testing. Allele origin: germline.
Comment: c.796C>T, located in exon 9 of the RAD51D gene, is predicted to result in the substitution of Arginine by Cysteine at codon 266, p.(Arg266Cys). This variant is found in 43/268298 alleles at a frequency of 0.016% in the gnomAD v2.1.1 database, non-cancer dataset. The SpliceAI algorithm predicts no significant impact on splicing and the REVEL meta-predictor score (0.401) for this variant is indeterminate regarding the effect that it may have on protein function according Pejaver 2022 thresholds (PMID: 36413997). To our knowledge, neither relevant clinical data nor well-stablished functional studies have been reported for this variant. This variant has been reported in the ClinVar database (3x likely benign, 15x uncertain significance, 3x likely pathogenic). Based on the currently available information, c.796C>T is classified as an uncertain significance variant according to ACMG guidelines.

GeneDx
Classification: Uncertain significance. Last evaluated: 2025-03-12. Review status: criteria provided, single submitter. Criteria: GeneDx Variant Classification Process June 2021. Collection method: clinical testing. Allele origin: germline. Affected: yes.
Comment: In silico analysis supports that this missense variant has a deleterious effect on protein structure/function; Observed in individuals with breast and/or ovarian cancer, but also in unaffected controls (PMID: 23372765, 29522266, 30111881, 29470806, 30651582, 31159747, 33471991); This variant is associated with the following publications: (PMID: 30651582, 23372765, 25775023, 29522266, 30111881, 31159747, 29470806, 36690744, 33471991, 26689913, 34284872, 36495689, 38909640, 36243179, 21111057, 14704354, 19327148, 35988656)

Blueprint Genetics
Classification: Likely benign. Last evaluated: 2024-11-27. Review status: criteria provided, single submitter. Criteria: ACMG Guidelines, 2015. Collection method: clinical testing. Allele origin: germline.

Fulgent Genetics
Classification: Uncertain significance for Breast-ovarian cancer, familial, susceptibility to, 4. Last evaluated: 2024-06-24. Review status: criteria provided, single submitter. Criteria: ACMG Guidelines, 2015. Collection method: clinical testing. Allele origin: germline.

NM_002878.4(RAD51D):c.796C>T (p.Arg266Cys)

Genes: RAD51D (RAD51 paralog D; minus strand), RAD51L3-RFFL (RAD51L3-RFFL readthrough; minus strand). Cytogenetic location: 17q12.
Variant type: single nucleotide variant.
Coding change: c.796C>T on transcript NM_002878.4 (MANE Select); coding-DNA position 796, C replaced by T.
Protein change: p.Arg266Cys; replaces arginine 266 with cysteine.
Molecular consequence: missense variant. On other transcripts: non-coding transcript variant (3).
Genome position (GRCh38, 1-based): chr17:35,101,308, G>A on the plus strand (C>T on the coding strand, the complement: RAD51D is on the minus strand). VCF-style: chr17-35101308-G-A. GRCh37 (hg19) VCF-style: chr17-33428327-G-A.
Other names: c.856C>T, p.Arg286Cys (NM_001142571.2); c.460C>T, p.Arg154Cys (NM_133629.3); c.460C>T (NM_133629.2); short protein forms R266C, R154C, R286C.
Identifiers: ClinVar variation 141519 (VCV000141519.69), dbSNP rs587781813, ClinGen allele CA165670.